The following is an entry in ClinVar:

NM_002496.4(NDUFS8):c.576G>T (p.Gly192=)

Gene: NDUFS8 (NADH:ubiquinone oxidoreductase core subunit S8; plus strand). Cytogenetic location: 11q13.2.
Variant type: single nucleotide variant.
Coding change: c.576G>T on transcript NM_002496.4 (MANE Select); coding-DNA position 576, G replaced by T.
Protein change: p.Gly192=; no amino-acid change (glycine 192 retained).
Molecular consequence: synonymous variant.
Genome position (GRCh38, 1-based): chr11:68,036,536, G>T. VCF-style: chr11-68036536-G-T. GRCh37 (hg19) VCF-style: chr11-67804003-G-T.
Identifiers: ClinVar variation 386356 (VCV000386356.1), dbSNP rs1057522484, ClinGen allele CA16606993.

ClinVar aggregate classification (germline): Likely benign (1 of 4 stars; one submission).

Allele frequency attached by ClinVar (database versions not stated): gnomAD exomes below 0.00001.
gnomAD v4.1: 2 of 1,614,096 alleles (0.00012%); highest among the groups gnomAD compares: Non-Finnish European, 0.00017%; no homozygotes.

Submission:

GeneDx
Classification: Likely benign. Last evaluated: 2016-06-04. Review status: criteria provided, single submitter. Criteria: GeneDx Variant Classification (06012015). Collection method: clinical testing. Allele origin: germline. Affected: yes.
Comment: This variant is considered likely benign or benign based on one or more of the following criteria: it is a conservative change, it occurs at a poorly conserved position in the protein, it is predicted to be benign by multiple in silico algorithms, and/or has population frequency not consistent with disease.